The following is an entry in ClinVar:

NM_014251.3(SLC25A13):c.1423dup (p.Arg475fs)

Gene: SLC25A13 (solute carrier family 25 member 13; minus strand). Cytogenetic location: 7q21.3.
Variant type: Duplication.
Coding change: c.1423dup on transcript NM_014251.3 (MANE Select); coding-DNA position 1423, one base duplicated (C; older notation c.1423dupC).
Protein change: p.Arg475fs; shifts the reading frame from arginine 475.
Molecular consequence: frameshift variant. On other transcripts: non-coding transcript variant (1).
Genome position (GRCh38, 1-based): chr7:96,146,585, G duplicated on the plus strand (C on the coding strand, the reverse complement: SLC25A13 is on the minus strand). VCF-style (leftmost placement, unchanged base first): chr7-96146584-C-CG. GRCh37 (hg19) VCF-style: chr7-95775896-C-CG.
Other names: c.1426dup, p.Arg476fs (NM_001160210.2); short protein forms R475fs, R476fs.
Identifiers: ClinVar variation 4061559 (VCV004061559.2).
Genomic context (GRCh38, chr7:96,146,584, plus strand): 5'-CAAATAAATGACTAAAAAAAAAAAAAAGTTACCTTGTAGATCCCAAAAAACCCCAGGTCC[C>CG]GCACGACAGACAGAGCACTGACTCGAGGACCAGTGGTGATTTCTCCTGCCACTTGCAAAC-3'

ClinVar aggregate classification (germline): Likely pathogenic (1 of 4 stars; one submission).

Conditions:
Citrullinemia. Identifiers: Orphanet 187, MedGen C0175683, MONDO:0015991.

Submission:

Natera, Inc.
Classification: Likely pathogenic for Citrullinemia. Last evaluated: 2025-05-04. Review status: criteria provided, single submitter. Criteria: Natera Variant Classification Schema (03/2026). Collection method: clinical testing. Allele origin: germline.
Comment: The c.1423dup variant in SLC25A13 is a frameshift variant predicted to shift the reading frame beginning at codon 475 and leads to a stop codon 40 codons downstream. This variant is expected to result in nonsense mediated decay, truncation, or a dysfunctional protein product. This variant is rare in the general population with a frequency below the threshold expected for the associated phenotype(s). Given the available evidence, this variant is classified as Likely Pathogenic.